The following is an entry in ClinVar:

NM_013275.6(ANKRD11):c.2398_2400del (p.Glu800del)

Gene: ANKRD11 (ankyrin repeat domain 11; minus strand). Cytogenetic location: 16q24.3.
Variant type: Deletion.
Coding change: c.2398_2400del on transcript NM_013275.6 (MANE Select); coding-DNA positions 2398 to 2400, 3 bases deleted (GAA; older notation c.2398_2400delGAA).
Protein change: p.Glu800del; deletes glutamic acid 800.
Molecular consequence: inframe deletion.
Genome position (GRCh38, 1-based): chr16:89,284,142-89,284,144, TTC deleted on the plus strand (GAA on the coding strand, the reverse complement: ANKRD11 is on the minus strand); deleting any 3 consecutive bases within chr16:89,284,142-89,284,146 gives the same sequence; the c. name uses the placement nearest the transcript's 3' end. VCF-style (leftmost placement, unchanged base first): chr16-89284141-TTTC-T. GRCh37 (hg19) VCF-style: chr16-89350549-TTTC-T.
Other names: c.2398_2400del, p.Glu800del (NM_001256182.2, NM_001256183.2); short protein forms E800del.
Identifiers: ClinVar variation 4681157 (VCV004681157.1).

ClinVar aggregate classification (germline): Uncertain significance (1 of 4 stars; one submission).

Submission:

GeneDx
Classification: Uncertain significance. Last evaluated: 2025-07-03. Review status: criteria provided, single submitter. Criteria: GeneDx Variant Classification Process June 2021. Collection method: clinical testing. Allele origin: germline. Affected: yes.
Comment: In-frame deletion of 1 amino acid(s) in a non-repeat region; Not observed at significant frequency in large population cohorts (gnomAD); In silico analysis supports a deleterious effect on protein structure/function; Has not been previously published as pathogenic or benign to our knowledge